The following is an entry in ClinVar:

ClinVar aggregate classification (germline): Likely benign (1 of 4 stars; one submission).

Submission:

CeGaT Center for Human Genetics Tuebingen
Classification: Likely benign. Last evaluated: 2026-03-01. Review status: criteria provided, single submitter. Criteria: CeGaT Center For Human Genetics Tuebingen Variant Classification Criteria Version 2. Collection method: clinical testing. Allele origin: germline. Affected: yes. Observed: 1 variant allele.
Comment: MOGS: PM2:Supporting, BP4, BP7

NM_006302.3(MOGS):c.75A>C (p.Gly25=)

Gene: MOGS (mannosyl-oligosaccharide glucosidase; minus strand). Cytogenetic location: 2p13.1.
Variant type: single nucleotide variant.
Coding change: c.75A>C on transcript NM_006302.3 (MANE Select); coding-DNA position 75, A replaced by C.
Protein change: p.Gly25=; no amino-acid change (glycine 25 retained).
Molecular consequence: synonymous variant. On other transcripts: intron variant (1).
Genome position (GRCh38, 1-based): chr2:74,465,173, T>G on the plus strand (A>C on the coding strand, the complement: MOGS is on the minus strand). VCF-style: chr2-74465173-T-G. GRCh37 (hg19) VCF-style: chr2-74692300-T-G.
Other names: c.-59+141A>C (NM_001146158.2).
Identifiers: ClinVar variation 4823762 (VCV004823762.4).